The following is an entry in ClinVar:

ClinVar aggregate classification (germline): Uncertain significance (1 of 4 stars; one submission).

Conditions:
Early-infantile DEE. Also called: Ohtahara syndrome; Early infantile epileptic encephalopathy with suppression bursts; Early infantile epileptic encephalopathy. Identifiers: Orphanet 1934, MedGen C0393706, MONDO:0800491.

Submission:

Labcorp Genetics (formerly Invitae), Labcorp
Classification: Uncertain significance for Early-infantile DEE. Last evaluated: 2022-02-02. Review status: criteria provided, single submitter. Criteria: Invitae Variant Classification Sherloc (09022015). Collection method: clinical testing. Allele origin: germline.
Comment: This sequence change falls in intron 8 of the SCN1A gene. It does not directly change the encoded amino acid sequence of the SCN1A protein. It affects a nucleotide within the consensus splice site. This variant is not present in population databases (gnomAD no frequency). This variant has not been reported in the literature in individuals affected with SCN1A-related conditions. Variants that disrupt the consensus splice site are a relatively common cause of aberrant splicing (PMID: 17576681, 9536098). Algorithms developed to predict the effect of sequence changes on RNA splicing suggest that this variant may disrupt the consensus splice site. In summary, the available evidence is currently insufficient to determine the role of this variant in disease. Therefore, it has been classified as a Variant of Uncertain Significance.

Literature cited by the submitters: PubMed 17576681; PubMed 9536098.

NM_001165963.4(SCN1A):c.1171-3C>T

Gene: SCN1A (sodium voltage-gated channel alpha subunit 1; minus strand). Cytogenetic location: 2q24.3.
Variant type: single nucleotide variant.
Coding change: c.1171-3C>T on transcript NM_001165963.4 (MANE Select); 3 bases into the intron before coding-DNA position 1171, C replaced by T.
Molecular consequence: intron variant.
Genome position (GRCh38, 1-based): chr2:166,046,979, G>A on the plus strand (C>T on the coding strand, the complement: SCN1A is on the minus strand). VCF-style: chr2-166046979-G-A. GRCh37 (hg19) VCF-style: chr2-166903489-G-A.
Other names: c.1171-3C>T (NM_001353949.2, NM_001353958.2, NM_001353950.2 and 10 more transcripts); c.-1255-3C>T (NM_001353961.2).
Identifiers: ClinVar variation 2091772 (VCV002091772.4), dbSNP rs2468182888, ClinGen allele CA2580064376.